The following is an entry in ClinVar:

ClinVar aggregate classification (germline): Conflicting classifications of pathogenicity. Review status: criteria provided, conflicting classifications (1 of 4 stars). 4 submissions from 4 submitters: Uncertain significance (3); Likely benign (1). Last evaluated 2024-05-07.

Conditions:
Familial cancer of breast. Also called: BREAST CANCER, FAMILIAL; hereditary breast carcinoma; Hereditary breast cancer. Identifiers: Orphanet 227535, MedGen C0346153, MONDO:0016419, OMIM 114480. Disease mechanism: loss of function.
Hereditary cancer-predisposing syndrome. Also called: Neoplastic Syndromes, Hereditary; Tumor predisposition; Hereditary Cancer Syndrome; Hereditary neoplastic syndrome. Identifiers: Orphanet 140162, MedGen C0027672, MeSH D009386, MONDO:0015356.

Allele frequency attached by ClinVar (database versions not stated): ExAC 0.00001; gnomAD exomes 0.00001.
gnomAD v4.1: 2 of 1,614,028 alleles (0.00012%); no homozygotes.

Submissions (4):

Ambry Genetics
Classification: Likely benign for Hereditary cancer-predisposing syndrome. Last evaluated: 2024-05-07. Review status: criteria provided, single submitter. Criteria: Ambry Variant Classification Scheme 2023. Collection method: clinical testing. Allele origin: germline.

Labcorp Genetics (formerly Invitae), Labcorp
Classification: Uncertain significance for Familial cancer of breast. Last evaluated: 2023-12-27. Review status: criteria provided, single submitter. Criteria: Invitae Variant Classification Sherloc (09022015). Collection method: clinical testing. Allele origin: germline.
Comment: This sequence change replaces histidine, which is basic and polar, with leucine, which is neutral and non-polar, at codon 394 of the PALB2 protein (p.His394Leu). This variant is present in population databases (rs762430363, gnomAD 0.006%). This missense change has been observed in individual(s) with pancreatic ductal adenocarcinoma (PMID: 35171259). ClinVar contains an entry for this variant (Variation ID: 923898). Advanced modeling of protein sequence and biophysical properties (such as structural, functional, and spatial information, amino acid conservation, physicochemical variation, residue mobility, and thermodynamic stability) has been performed at Invitae for this missense variant, however the output from this modeling did not meet the statistical confidence thresholds required to predict the impact of this variant on PALB2 protein function. In summary, the available evidence is currently insufficient to determine the role of this variant in disease. Therefore, it has been classified as a Variant of Uncertain Significance.

Baylor Genetics
Classification: Uncertain significance for Familial cancer of breast. Last evaluated: 2023-08-29. Review status: criteria provided, single submitter. Criteria: ACMG Guidelines, 2015. Collection method: clinical testing. Allele origin: unknown.

Color Diagnostics, LLC DBA Color Health
Classification: Uncertain significance for Hereditary cancer-predisposing syndrome. Last evaluated: 2023-05-05. Review status: criteria provided, single submitter. Criteria: ACMG Guidelines, 2015. Collection method: clinical testing. Allele origin: germline.
Comment: This missense variant replaces histidine with leucine at codon 394 of the PALB2 protein. Computational prediction suggests that this variant may not impact protein structure and function (internally defined REVEL score threshold <= 0.5, PMID: 27666373). To our knowledge, functional studies have not been reported for this variant. This variant has been reported in an individual affected with acute megakaryoblastic leukemia (PMID: 26580448). This variant has been identified in 2/250950 chromosomes in the general population by the Genome Aggregation Database (gnomAD). The available evidence is insufficient to determine the role of this variant in disease conclusively. Therefore, this variant is classified as a Variant of Uncertain Significance.

Literature cited by the submitters: PubMed 26580448 (cited by Ambry Genetics and Color Diagnostics, LLC DBA Color Health); PubMed 35171259 (cited by Ambry Genetics and Labcorp Genetics (formerly Invitae), Labcorp).

NM_024675.4(PALB2):c.1181A>T (p.His394Leu)

Gene: PALB2 (partner and localizer of BRCA2; minus strand). Cytogenetic location: 16p12.2.
Variant type: single nucleotide variant.
Coding change: c.1181A>T on transcript NM_024675.4 (MANE Select); coding-DNA position 1181, A replaced by T.
Protein change: p.His394Leu; replaces histidine 394 with leucine.
Molecular consequence: missense variant.
Genome position (GRCh38, 1-based): chr16:23,635,365, T>A on the plus strand (A>T on the coding strand, the complement: PALB2 is on the minus strand). VCF-style: chr16-23635365-T-A. GRCh37 (hg19) VCF-style: chr16-23646686-T-A.
Other names: short protein forms H394L.
Identifiers: ClinVar variation 923898 (VCV000923898.19), dbSNP rs762430363, ClinGen allele CA7963729.